The following is an entry in ClinVar:

ClinVar aggregate classification (germline): Likely benign (1 of 4 stars; one submission).

Allele frequency attached by ClinVar (database versions not stated): gnomAD exomes 0.00001.
gnomAD v4.1: 5 of 1,613,614 alleles (0.00031%); highest among the groups gnomAD compares: Middle Eastern, 0.067%; no homozygotes.

Submission:

CeGaT Center for Human Genetics Tuebingen
Classification: Likely benign. Last evaluated: 2023-03-01. Review status: criteria provided, single submitter. Criteria: CeGaT Center For Human Genetics Tuebingen Variant Classification Criteria Version 2. Collection method: clinical testing. Allele origin: germline. Affected: yes. Observed: 1 variant allele.
Comment: ARID2: PM2:Supporting, BP4, BP7

NM_152641.4(ARID2):c.162C>G (p.Val54=)

Genes: ARID2 (AT-rich interaction domain 2; plus strand), LOC130007728 (ATAC-STARR-seq lymphoblastoid silent region 4376; plus strand). Cytogenetic location: 12q12.
Variant type: single nucleotide variant.
Coding change: c.162C>G on transcript NM_152641.4 (MANE Select); coding-DNA position 162, C replaced by G.
Protein change: p.Val54=; no amino-acid change (valine 54 retained).
Molecular consequence: synonymous variant.
Genome position (GRCh38, 1-based): chr12:45,730,113, C>G. VCF-style: chr12-45730113-C-G. GRCh37 (hg19) VCF-style: chr12-46123896-C-G.
Other names: c.162C>G, p.Val54= (NM_001347839.2).
Identifiers: ClinVar variation 2642909 (VCV002642909.24), dbSNP rs2137959902, ClinGen allele CA479661727.
Genomic context (GRCh38, chr12:45,730,113, plus strand): 5'-TAAAAAAATCCCTGCGGTGGGTGGGAAGGAGCTGGATCTTCACGGTCTCTACACCAGAGT[C>G]ACTACTTTAGGCGGATTCGCGAAGGTGAGTGGAAGTTTTAATTTGTATTTCCCTCTCGCT-3'
Protein context (NP_689854.2, residues 44-64): ELDLHGLYTR[Val54=]TTLGGFAKVS